The following is an entry in ClinVar:

ClinVar aggregate classification (germline): Likely benign. Review status: criteria provided, multiple submitters, no conflicts (2 of 4 stars). 4 submissions from 4 submitters: Likely benign (4). Last evaluated 2026-06-01.

Conditions:
Cerebral arteriopathy, autosomal dominant, with subcortical infarcts and leukoencephalopathy, type 1 (CADASIL1). Also called: CADASIL 1; Cerebral arteriopathy with subcortical infarcts and leukoencephalopathy 1; CASIL; DEMENTIA, HEREDITARY MULTIINFARCT TYPE. Identifiers: Orphanet 136, MedGen C4551768, MONDO:0000914, OMIM 125310.

Allele frequency attached by ClinVar (database versions not stated): ESP Exome Variant Server 0.00008; gnomAD 0.00009; TOPMed 0.00014; gnomAD exomes 0.00018; ExAC 0.00025.
gnomAD v4.1: 126 of 1,580,984 alleles (0.008%); highest among the groups gnomAD compares: Admixed American, 0.019%; no homozygotes.

Submissions (4):

CeGaT Center for Human Genetics Tuebingen
Classification: Likely benign. Last evaluated: 2026-06-01. Review status: criteria provided, single submitter. Criteria: CeGaT Center For Human Genetics Tuebingen Variant Classification Criteria Version 2. Collection method: clinical testing. Allele origin: germline. Affected: yes. Observed: 4 variant alleles.
Comment: NOTCH3: BP4, BP7

Labcorp Genetics (formerly Invitae), Labcorp
Classification: Likely benign. Last evaluated: 2025-08-29. Review status: criteria provided, single submitter. Criteria: Invitae Variant Classification Sherloc (09022015). Collection method: clinical testing. Allele origin: germline.

Blueprint Genetics
Classification: Likely benign. Last evaluated: 2024-11-15. Review status: criteria provided, single submitter. Criteria: ACMG Guidelines, 2015. Collection method: clinical testing. Allele origin: germline.

Illumina Laboratory Services, Illumina
Classification: Likely benign for Cerebral arteriopathy, autosomal dominant, with subcortical infarcts and leukoencephalopathy, type 1. Last evaluated: 2018-01-13. Review status: criteria provided, single submitter. Criteria: ICSL Variant Classification Criteria 13 December 2019. Collection method: clinical testing. Allele origin: germline.
Comment: This variant was observed in the ICSL laboratory as part of a predisposition screen in an ostensibly healthy population. It had not been previously curated by ICSL or reported in the Human Gene Mutation Database (HGMD: prior to June 1st, 2018), and was therefore a candidate for classification through an automated scoring system. Utilizing variant allele frequency, disease prevalence and penetrance estimates, and inheritance mode, an automated score was calculated to assess if this variant is too frequent to cause the disease. Based on the score and internal cut-off values, a variant classified as likely benign is not then subjected to further curation. The score for this variant resulted in a classification of likely benign for this disease.

NM_000435.3(NOTCH3):c.4725C>A (p.Pro1575=)

Gene: NOTCH3 (notch receptor 3; minus strand). Cytogenetic location: 19p13.12.
Variant type: single nucleotide variant.
Coding change: c.4725C>A on transcript NM_000435.3 (MANE Select); coding-DNA position 4725, C replaced by A.
Protein change: p.Pro1575=; no amino-acid change (proline 1575 retained).
Molecular consequence: synonymous variant.
Genome position (GRCh38, 1-based): chr19:15,174,079, G>T on the plus strand (C>A on the coding strand, the complement: NOTCH3 is on the minus strand). VCF-style: chr19-15174079-G-T. GRCh37 (hg19) VCF-style: chr19-15284890-G-T.
Identifiers: ClinVar variation 328384 (VCV000328384.40), dbSNP rs374042078, ClinGen allele CA9262864.
Genomic context (GRCh38, chr19:15,174,079, plus strand): 5'-ATCTCTCCTCTCCCCAGCCACCACGGCTTTTCCAGGTGGGGTCACTCACCCGATCACCTC[G>T]GGGGCCAGCTCCCGACGGGCCCGGGGTTCGGAGCCAGGACTAGGCCGGTGGTAAGGGAAG-3'
Protein context (NP_000426.2, residues 1565-1585): SEPRARRELA[Pro1575=]EVIGSVVMLE